The following is an entry in ClinVar:

NM_001170629.2(CHD8):c.2432T>C (p.Leu811Pro)

Gene: CHD8 (chromodomain helicase DNA binding protein 8; minus strand). Cytogenetic location: 14q11.2.
Variant type: single nucleotide variant.
Coding change: c.2432T>C on transcript NM_001170629.2 (MANE Select); coding-DNA position 2432, T replaced by C.
Protein change: p.Leu811Pro; replaces leucine 811 with proline.
Molecular consequence: missense variant.
Genome position (GRCh38, 1-based): chr14:21,408,758, A>G on the plus strand (T>C on the coding strand, the complement: CHD8 is on the minus strand). VCF-style: chr14-21408758-A-G. GRCh37 (hg19) VCF-style: chr14-21876917-A-G.
Other names: c.1595T>C, p.Leu532Pro (NM_020920.4); short protein forms L811P, L532P.
Identifiers: ClinVar variation 1791184 (VCV001791184.2), dbSNP rs2501925091, ClinGen allele CA388876198.

ClinVar aggregate classification (germline): Uncertain significance (1 of 4 stars; one submission).

Conditions:
Inborn genetic diseases. Identifiers: MedGen C0950123, MeSH D030342.

Allele frequency attached by ClinVar (database versions not stated): gnomAD exomes below 0.00001.

Submission:

Ambry Genetics
Classification: Uncertain significance for Inborn genetic diseases. Last evaluated: 2019-07-31. Review status: criteria provided, single submitter. Criteria: Ambry Variant Classification Scheme 2023. Collection method: clinical testing. Allele origin: germline.
Comment: The p.L811P variant (also known as c.2432T>C), located in coding exon 11 of the CHD8 gene, results from a T to C substitution at nucleotide position 2432. The leucine at codon 811 is replaced by proline, an amino acid with similar properties. This amino acid position is highly conserved in available vertebrate species. In addition, this alteration is predicted to be deleterious by in silico analysis. Since supporting evidence is limited at this time, the clinical significance of this alteration remains unclear.